The following is an entry in ClinVar:

ClinVar aggregate classification (germline): Uncertain significance (1 of 4 stars; one submission).

Submission:

Dasa
Classification: Uncertain significance. Last evaluated: 2026-01-01. Review status: criteria provided, single submitter. Criteria: DASA Assertion Criteria. Collection method: clinical testing. Allele origin: germline.
Comment: NM_004628.5(XPC):c.722T>C (p.Phe241Ser) is a missense variant that results in the substitution of phenylalanine with serine. This variant is rare in population databases. The currently available literature and clinical evidence are not sufficient to establish a definitive association between this variant and the reported condition. Therefore, this variant is classified as a variant of uncertain significance.

NM_004628.5(XPC):c.722T>C (p.Phe241Ser)

Gene: XPC (XPC complex subunit, DNA damage recognition and repair factor; minus strand). Cytogenetic location: 3p25.1.
Variant type: single nucleotide variant.
Coding change: c.722T>C on transcript NM_004628.5 (MANE Select); coding-DNA position 722, T replaced by C.
Protein change: p.Phe241Ser; replaces phenylalanine 241 with serine.
Molecular consequence: missense variant. On other transcripts: non-coding transcript variant (2).
Genome position (GRCh38, 1-based): chr3:14,165,485, A>G on the plus strand (T>C on the coding strand, the complement: XPC is on the minus strand). VCF-style: chr3-14165485-A-G. GRCh37 (hg19) VCF-style: chr3-14206985-A-G.
Other names: c.143T>C, p.Phe48Ser (NM_001354726.2); c.722T>C, p.Phe241Ser (NM_001354727.2, NM_001354730.2); c.704T>C, p.Phe235Ser (NM_001354729.2); short protein forms F235S, F241S, F48S.
Identifiers: ClinVar variation 4885460 (VCV004885460.2).
Genomic context (GRCh38, chr3:14,165,485, plus strand): 5'-TACCACTTCACCAGGTTTGAGAGGTAGTAGGTGTCCACATCTCGAGGCAGCACTCTGGTA[A>G]AGCGGGCTGGGATGATGGACAGGCCAATAGCATGCAGATCTGGCTGGCTGCAGATGTTAT-3'
Protein context (NP_004619.3, residues 231-251): AIGLSIIPAR[Phe241Ser]TRVLPRDVDT